The following is an entry in ClinVar:

ClinVar aggregate classification (germline): Likely pathogenic (1 of 4 stars; one submission).

Conditions:
Hyperekplexia 3 (HKPX3). Also called: HYPEREKPLEXIA 3, AUTOSOMAL RECESSIVE; HYPEREKPLEXIA 3, AUTOSOMAL DOMINANT. Identifiers: Orphanet 3197, MedGen C3553288, MONDO:0013827, OMIM 614618.

gnomAD v4.1: 24 of 1,587,432 alleles (0.0015%); highest among the groups gnomAD compares: Non-Finnish European, 0.0021%; no homozygotes.

Submission:

Labcorp Genetics (formerly Invitae), Labcorp
Classification: Likely pathogenic for Hyperekplexia 3. Last evaluated: 2024-09-21. Review status: criteria provided, single submitter. Criteria: Invitae Variant Classification Sherloc (09022015). Collection method: clinical testing. Allele origin: germline.
Comment: This sequence change replaces tyrosine, which is neutral and polar, with histidine, which is basic and polar, at codon 656 of the SLC6A5 protein (p.Tyr656His). This variant is present in population databases (rs781626578, gnomAD 0.004%). This missense change has been observed in individual(s) with hyperekplexia (PMID: 22700964, 24030948). In at least one individual the data is consistent with being in trans (on the opposite chromosome) from a pathogenic variant. Invitae Evidence Modeling of protein sequence and biophysical properties (such as structural, functional, and spatial information, amino acid conservation, physicochemical variation, residue mobility, and thermodynamic stability) indicates that this missense variant is not expected to disrupt SLC6A5 protein function with a negative predictive value of 80%. Experimental studies have shown that this missense change affects SLC6A5 function (PMID: 22700964). In summary, the currently available evidence indicates that the variant is pathogenic, but additional data are needed to prove that conclusively. Therefore, this variant has been classified as Likely Pathogenic.

Literature cited by the submitters: PubMed 22700964; PubMed 24030948.

NM_004211.5(SLC6A5):c.1966T>C (p.Tyr656His)

Gene: SLC6A5 (solute carrier family 6 member 5; plus strand). Cytogenetic location: 11p15.1.
Variant type: single nucleotide variant.
Coding change: c.1966T>C on transcript NM_004211.5 (MANE Select); coding-DNA position 1966, T replaced by C.
Protein change: p.Tyr656His; replaces tyrosine 656 with histidine.
Molecular consequence: missense variant.
Genome position (GRCh38, 1-based): chr11:20,638,555, T>C. VCF-style: chr11-20638555-T-C. GRCh37 (hg19) VCF-style: chr11-20660101-T-C.
Other names: c.1264T>C, p.Tyr422His (NM_001318369.2); short protein forms Y422H, Y656H.
Identifiers: ClinVar variation 3721008 (VCV003721008.2).